The following is an entry in ClinVar:

ClinVar aggregate classification (germline): Uncertain significance. Review status: criteria provided, multiple submitters, no conflicts (2 of 4 stars). 3 submissions from 3 submitters: Uncertain significance (3). Last evaluated 2025-11-13.

Conditions:
Loeys-Dietz syndrome 2 (LDS2). Also called: AORTIC ANEURYSM, FAMILIAL THORACIC 3; MARFAN SYNDROME, TYPE II; TGFBR2-Related Loeys-Dietz Syndrome; Marfan Syndrome type 2; Marfan like connective tissue disorder; MFS 2. Identifiers: Orphanet 284973, Orphanet 558, MedGen C2674574, MONDO:0012427, OMIM 610168.

gnomAD v4.1: 5 of 1,614,210 alleles (0.00031%); highest among the groups gnomAD compares: Admixed American, 0.005%; no homozygotes.

Submissions (3):

Labcorp Genetics (formerly Invitae), Labcorp
Classification: Uncertain significance for Loeys-Dietz syndrome 2. Last evaluated: 2025-11-13. Review status: criteria provided, single submitter. Criteria: Invitae Variant Classification Sherloc (09022015). Collection method: clinical testing. Allele origin: germline.
Comment: This sequence change replaces lysine, which is basic and polar, with glutamic acid, which is acidic and polar, at codon 428 of the TMPO protein (p.Lys428Glu). This variant is present in population databases (no rsID available, gnomAD 0.009%). This variant has not been reported in the literature in individuals affected with TMPO-related conditions. ClinVar contains an entry for this variant (Variation ID: 3327275). Invitae Evidence Modeling of protein sequence and biophysical properties (such as structural, functional, and spatial information, amino acid conservation, physicochemical variation, residue mobility, and thermodynamic stability) indicates that this missense variant is not expected to disrupt TMPO protein function with a negative predictive value of 80%. In summary, the available evidence is currently insufficient to determine the role of this variant in disease. Therefore, it has been classified as a Variant of Uncertain Significance.

GeneDx
Classification: Uncertain significance. Last evaluated: 2024-09-05. Review status: criteria provided, single submitter. Criteria: GeneDx Variant Classification Process June 2021. Collection method: clinical testing. Allele origin: germline. Affected: yes.
Comment: Has not been previously published as pathogenic or benign to our knowledge; Not observed at significant frequency in large population cohorts (gnomAD); In silico analysis indicates that this missense variant does not alter protein structure/function

Ambry Genetics
Classification: Uncertain significance. Last evaluated: 2024-03-15. Review status: criteria provided, single submitter. Criteria: Ambry Variant Classification Scheme 2023. Collection method: clinical testing. Allele origin: germline.
Comment: The p.K428E variant (also known as c.1282A>G), located in coding exon 4 of the TMPO gene, results from an A to G substitution at nucleotide position 1282. The lysine at codon 428 is replaced by glutamic acid, an amino acid with similar properties. This amino acid position is conserved. In addition, this alteration is predicted to be tolerated by in silico analysis. Based on the available evidence, the clinical significance of this alteration remains unclear.

NM_001032283.3(TMPO):c.565+1701A>G

Gene: TMPO (thymopoietin; plus strand). Cytogenetic location: 12q23.1.
Variant type: single nucleotide variant.
Coding change: c.565+1701A>G on transcript NM_001032283.3 (MANE Select); 1701 bases into the intron after coding-DNA position 565, A replaced by G.
Molecular consequence: intron variant. On other transcripts: missense variant (1).
Genome position (GRCh38, 1-based): chr12:98,533,539, A>G. VCF-style: chr12-98533539-A-G. GRCh37 (hg19) VCF-style: chr12-98927317-A-G.
Other names: c.1282A>G, p.Lys428Glu (NM_003276.2); c.565+1701A>G (NM_001307975.2, NM_001032284.3); short protein forms K428E.
Identifiers: ClinVar variation 3327275 (VCV003327275.3).